The following is an entry in ClinVar:

ClinVar aggregate classification (germline): Likely benign (0 of 4 stars; one submission).

Conditions:
ANGPTL4-related disorder. Also called: ANGPTL4-related condition.

Allele frequency attached by ClinVar (database versions not stated): ExAC 0.01079; gnomAD 0.03536; ESP Exome Variant Server 0.03853; TOPMed 0.03984; 1000 Genomes Project 0.03994; 1000 Genomes Project 30x 0.04279.
gnomAD v4.1: 10,882 of 1,613,432 alleles (0.67%); highest among the groups gnomAD compares: African/African-American, 13%; 619 homozygotes.

Submission:

PreventionGenetics, part of Exact Sciences
Classification: Likely benign for ANGPTL4-related condition. Last evaluated: 2019-11-26. Review status: no assertion criteria provided. Collection method: clinical testing. Allele origin: germline.
Comment: This variant is classified as likely benign based on ACMG/AMP sequence variant interpretation guidelines (Richards et al. 2015 PMID: 25741868, with internal and published modifications).

NM_139314.3(ANGPTL4):c.921C>T (p.Pro307=)

Gene: ANGPTL4 (angiopoietin like 4; plus strand). Cytogenetic location: 19p13.2.
Variant type: single nucleotide variant.
Coding change: c.921C>T on transcript NM_139314.3 (MANE Select); coding-DNA position 921, C replaced by T.
Protein change: p.Pro307=; no amino-acid change (proline 307 retained).
Molecular consequence: synonymous variant.
Genome position (GRCh38, 1-based): chr19:8,371,404, C>T. VCF-style: chr19-8371404-C-T. GRCh37 (hg19) VCF-style: chr19-8436288-C-T.
Other names: c.807C>T, p.Pro269= (NM_001039667.3).
Identifiers: ClinVar variation 3042332 (VCV003042332.2), dbSNP rs10404615, ClinGen allele CA9156133.